The following is an entry in ClinVar:

ClinVar aggregate classification (germline): Uncertain significance (1 of 4 stars; one submission).

Conditions:
Breast-ovarian cancer, familial, susceptibility to, 4. Identifiers: Orphanet 145, MedGen C3280345, MONDO:0013669, OMIM 614291.

Submission:

Labcorp Genetics (formerly Invitae), Labcorp
Classification: Uncertain significance for Breast-ovarian cancer, familial, susceptibility to, 4. Last evaluated: 2022-12-21. Review status: criteria provided, single submitter. Criteria: Invitae Variant Classification Sherloc (09022015). Collection method: clinical testing. Allele origin: germline.
Comment: In summary, the available evidence is currently insufficient to determine the role of this variant in disease. Therefore, it has been classified as a Variant of Uncertain Significance. Experimental studies and prediction algorithms are not available or were not evaluated, and the functional significance of this variant is currently unknown. ClinVar contains an entry for this variant (Variation ID: 1466890). This variant has not been reported in the literature in individuals affected with RAD51D-related conditions. This variant is not present in population databases (gnomAD no frequency). This sequence change results in a frameshift in the RAD51D gene (p.Gln324Aspfs*28). While this is not anticipated to result in nonsense mediated decay, it is expected to disrupt the last 5 amino acid(s) of the RAD51D protein and extend the protein by 22 additional amino acid residues.

NM_002878.4(RAD51D):c.969_970insGA (p.Gln324fs)

Genes: RAD51L3-RFFL (RAD51L3-RFFL readthrough; minus strand), RAD51D (RAD51 paralog D; minus strand). Cytogenetic location: 17q12.
Variant type: Insertion.
Coding change: c.969_970insGA on transcript NM_002878.4 (MANE Select); coding-DNA positions 969 to 970, GA inserted.
Protein change: p.Gln324fs; shifts the reading frame from glutamine 324.
Molecular consequence: frameshift variant. On other transcripts: non-coding transcript variant (2).
Genome position: GRCh38 VCF-style: chr17-35100970-G-GTC. GRCh37 (hg19) VCF-style: chr17-33427989-G-GTC.
Other names: c.1029_1030insGA, p.Gln344fs (NM_001142571.2); c.633_634insGA, p.Gln212fs (NM_133629.3); short protein forms Q212fs, Q324fs, Q344fs.
Identifiers: ClinVar variation 1466890 (VCV001466890.6), dbSNP rs2142408720, ClinGen allele CA2573153475.